The following is an entry in ClinVar:

NM_001134407.3(GRIN2A):c.967C>A (p.Gln323Lys)

Gene: GRIN2A (glutamate ionotropic receptor NMDA type subunit 2A; minus strand). Cytogenetic location: 16p13.2.
Variant type: single nucleotide variant.
Coding change: c.967C>A on transcript NM_001134407.3 (MANE Select); coding-DNA position 967, C replaced by A.
Protein change: p.Gln323Lys; replaces glutamine 323 with lysine.
Molecular consequence: missense variant.
Genome position (GRCh38, 1-based): chr16:9,937,999, G>T on the plus strand (C>A on the coding strand, the complement: GRIN2A is on the minus strand). VCF-style: chr16-9937999-G-T. GRCh37 (hg19) VCF-style: chr16-10031856-G-T.
Other names: c.967C>A, p.Gln323Lys (NM_000833.5, NM_001134408.2); short protein forms Q323K.
Identifiers: ClinVar variation 1922576 (VCV001922576.5), dbSNP rs1555455535, ClinGen allele CA394798115.

ClinVar aggregate classification (germline): Uncertain significance (1 of 4 stars; one submission).

Conditions:
Landau-Kleffner syndrome (FESD). Also called: EPILEPSY, FOCAL, WITH SPEECH DISORDER AND WITH OR WITHOUT MENTAL RETARDATION; APHASIA, ACQUIRED, WITH EPILEPSY. Identifiers: Orphanet 1945, Orphanet 725, Orphanet 98818, MedGen C0282512, MONDO:0009509, OMIM 245570.

Submission:

Labcorp Genetics (formerly Invitae), Labcorp
Classification: Uncertain significance for Landau-Kleffner syndrome. Last evaluated: 2022-07-30. Review status: criteria provided, single submitter. Criteria: Invitae Variant Classification Sherloc (09022015). Collection method: clinical testing. Allele origin: germline.
Comment: In summary, the available evidence is currently insufficient to determine the role of this variant in disease. Therefore, it has been classified as a Variant of Uncertain Significance. Advanced modeling of protein sequence and biophysical properties (such as structural, functional, and spatial information, amino acid conservation, physicochemical variation, residue mobility, and thermodynamic stability) performed at Invitae indicates that this missense variant is not expected to disrupt GRIN2A protein function. This variant has not been reported in the literature in individuals affected with GRIN2A-related conditions. This variant is not present in population databases (gnomAD no frequency). This sequence change replaces glutamine, which is neutral and polar, with lysine, which is basic and polar, at codon 323 of the GRIN2A protein (p.Gln323Lys).